The following is an entry in ClinVar:

ClinVar aggregate classification (germline): Uncertain significance (1 of 4 stars; one submission).

Conditions:
Autosomal recessive ataxia, Beauce type. Also called: SYNE1-Related Autosomal Recessive Cerebellar Ataxia; Spinocerebellar ataxia, autosomal recessive 8; ATAXIA, RECESSIVE, OF BEAUCE; SYNE1 Deficiency. Identifiers: Orphanet 88644, MedGen C1853116, MONDO:0012549, OMIM 610743.
Emery-Dreifuss muscular dystrophy 4, autosomal dominant (EDMD4). Also called: EMERY-DREIFUSS MUSCULAR DYSTROPHY 4 WITH VARIABLE FEATURES. Identifiers: Orphanet 261, MedGen C2751807, MONDO:0013071, OMIM 612998.

Submission:

Labcorp Genetics (formerly Invitae), Labcorp
Classification: Uncertain significance for Emery-Dreifuss muscular dystrophy 4, autosomal dominant; Autosomal recessive ataxia, Beauce type. Last evaluated: 2022-04-25. Review status: criteria provided, single submitter. Criteria: Invitae Variant Classification Sherloc (09022015). Collection method: clinical testing. Allele origin: germline.
Comment: In summary, the available evidence is currently insufficient to determine the role of this variant in disease. Therefore, it has been classified as a Variant of Uncertain Significance. Algorithms developed to predict the effect of missense changes on protein structure and function (SIFT, PolyPhen-2, Align-GVGD) all suggest that this variant is likely to be disruptive. This variant has not been reported in the literature in individuals affected with SYNE1-related conditions. This variant is not present in population databases (gnomAD no frequency). This sequence change replaces lysine, which is basic and polar, with asparagine, which is neutral and polar, at codon 5070 of the SYNE1 protein (p.Lys5070Asn).

NM_182961.4(SYNE1):c.15423A>C (p.Lys5141Asn)

Gene: SYNE1 (spectrin repeat containing nuclear envelope protein 1; minus strand). Cytogenetic location: 6q25.2.
Variant type: single nucleotide variant.
Coding change: c.15423A>C on transcript NM_182961.4 (MANE Select); coding-DNA position 15423, A replaced by C.
Protein change: p.Lys5141Asn; replaces lysine 5141 with asparagine.
Molecular consequence: missense variant.
Genome position (GRCh38, 1-based): chr6:152,325,973, T>G on the plus strand (A>C on the coding strand, the complement: SYNE1 is on the minus strand). VCF-style: chr6-152325973-T-G. GRCh37 (hg19) VCF-style: chr6-152647108-T-G.
Other names: c.15210A>C, p.Lys5070Asn (NM_033071.5); short protein forms K5070N, K5141N.
Identifiers: ClinVar variation 2130684 (VCV002130684.4), dbSNP rs1590119392, ClinGen allele CA366092362.